The following is an entry in ClinVar:

ClinVar aggregate classification (germline): Uncertain significance. Review status: criteria provided, multiple submitters, no conflicts (2 of 4 stars). 2 submissions from 2 submitters: Uncertain significance (2). Last evaluated 2025-12-13.

Conditions:
Developmental and epileptic encephalopathy, 9 (DEE9). Also called: PCDH19-Related X-Linked Female-Limited Epilepsy with Mental Retardation; EPILEPSY, FEMALE-RESTRICTED, WITH MENTAL RETARDATION; Early infantile epileptic encephalopathy 9; JUBERG-HELLMAN SYNDROME. Identifiers: Orphanet 101039, Orphanet 2076, MedGen C1848137, MONDO:0010246, OMIM 300088. Disease mechanism: loss of function.

Allele frequency attached by ClinVar (database versions not stated): gnomAD 0.00001; gnomAD exomes 0.00001.
gnomAD v4.1: 3 of 1,209,935 alleles (0.00025%); highest among the groups gnomAD compares: Admixed American, 0.0065%; no homozygotes.

Submissions (2):

Labcorp Genetics (formerly Invitae), Labcorp
Classification: Uncertain significance for Developmental and epileptic encephalopathy, 9. Last evaluated: 2025-12-13. Review status: criteria provided, single submitter. Criteria: Invitae Variant Classification Sherloc (09022015). Collection method: clinical testing. Allele origin: germline.
Comment: This sequence change replaces arginine, which is basic and polar, with glycine, which is neutral and non-polar, at codon 827 of the PCDH19 protein (p.Arg827Gly). This variant is present in population databases (no rsID available, gnomAD 0.008%). This variant has not been reported in the literature in individuals affected with PCDH19-related conditions. ClinVar contains an entry for this variant (Variation ID: 566027). Invitae Evidence Modeling of protein sequence and biophysical properties (such as structural, functional, and spatial information, amino acid conservation, physicochemical variation, residue mobility, and thermodynamic stability) has been performed for this missense variant. However, the output from this modeling did not meet the statistical confidence thresholds required to predict the impact of this variant on PCDH19 protein function. In summary, the available evidence is currently insufficient to determine the role of this variant in disease. Therefore, it has been classified as a Variant of Uncertain Significance.

Women's Health and Genetics/Laboratory Corporation of America, LabCorp
Classification: Uncertain significance. Last evaluated: 2024-11-06. Review status: criteria provided, single submitter. Criteria: LabCorp Variant Classification Summary - May 2015. Collection method: clinical testing. Allele origin: germline.
Comment: Variant summary: PCDH19 c.2479C>G (p.Arg827Gly) results in a non-conservative amino acid change in the encoded protein sequence. Three of five in-silico tools predict a damaging effect of the variant on protein function. The variant allele was found at a frequency of 1.1e-05 in 181422 control chromosomes (gnomAD). The available data on variant occurrences in the general population are insufficient to allow any conclusion about variant significance. To our knowledge, no occurrence of c.2479C>G in individuals affected with Developmental And Epileptic Encephalopathy, 9 and no experimental evidence demonstrating its impact on protein function have been reported. ClinVar contains an entry for this variant (Variation ID: 566027). Based on the evidence outlined above, the variant was classified as uncertain significance.

Literature cited by the submitters: PubMed 34082468 (cited by Women's Health and Genetics/Laboratory Corporation of America, LabCorp).

NM_001184880.2(PCDH19):c.2479C>G (p.Arg827Gly)

Genes: PCDH19 (protocadherin 19; minus strand), LOC125467768 (CDK7 strongly-dependent group 2 enhancer GRCh37_chrX:99657381-99658580; plus strand). Cytogenetic location: Xq22.1.
Variant type: single nucleotide variant.
Coding change: c.2479C>G on transcript NM_001184880.2 (MANE Select); coding-DNA position 2479, C replaced by G.
Protein change: p.Arg827Gly; replaces arginine 827 with glycine.
Molecular consequence: missense variant.
Genome position (GRCh38, 1-based): chrX:100,402,661, G>C on the plus strand (C>G on the coding strand, the complement: PCDH19 is on the minus strand). VCF-style: chrX-100402661-G-C. GRCh37 (hg19) VCF-style: chrX-99657659-G-C.
Other names: c.2338C>G, p.Arg780Gly (NM_001105243.2, NM_020766.3); short protein forms R827G, R780G.
Identifiers: ClinVar variation 566027 (VCV000566027.14), dbSNP rs773732791, ClinGen allele CA414005704.
Genomic context (GRCh38, chrX:100,402,661, plus strand): 5'-GGTTAGCACTGGTGTTGCGGGTATTCTGGTTCTCCACATTCAGGAAAGTGCTCTCAGAGC[G>C]GCGGCAGCCCAGGGGCAGCGTCTGCTGGTGGTAGTCAAAATAGTTGAGGGAGGAGGTCAG-3'
Protein context (NP_001171809.1, residues 817-837): HQQTLPLGCR[Arg827Gly]SESTFLNVEN